The following is an entry in ClinVar:

ClinVar aggregate classification (germline): Pathogenic (1 of 4 stars; one submission).

Conditions:
Catecholaminergic polymorphic ventricular tachycardia 1. Also called: VENTRICULAR TACHYCARDIA, CATECHOLAMINERGIC POLYMORPHIC, 1, WITH OR WITHOUT ATRIAL DYSFUNCTION AND/OR DILATED CARDIOMYOPATHY; RYR2-Related Catecholaminergic Polymorphic Ventricular Tachycardia; VENTRICULAR TACHYCARDIA, STRESS-INDUCED POLYMORPHIC 1. Identifiers: Orphanet 3286, MedGen C1631597, MONDO:0011484, OMIM 604772.

Submission:

Molecular Genetics Laboratory, Motol Hospital
Classification: Pathogenic for Catecholaminergic polymorphic ventricular tachycardia 1. Last evaluated: 2026-08-03. Review status: criteria provided, single submitter. Criteria: ACMG Guidelines, 2015. Collection method: clinical testing. Allele origin: de novo. Inheritance: Sporadic. Affected: yes. Observed: 1 variant allele, 1 heterozygote.
Comment: Rare variant not present in the non-Finnish European population (gnomAD v4.1.1) (PM2). Rare missense variants in the RYR2 gene are associated with autosomal dominant CPVT-1 (PP2). In silico prediction tools support the deleterious effect on the gene (PP3). The variant c.6512T>C is classified as pathogenic.

Literature cited by the submitters: PubMed 40875405.

NM_001035.3(RYR2):c.6512T>C (p.Val2171Ala)

Gene: RYR2 (ryanodine receptor 2; plus strand). Cytogenetic location: 1q43.
Variant type: single nucleotide variant.
Coding change: c.6512T>C on transcript NM_001035.3 (MANE Select); coding-DNA position 6512, T replaced by C.
Protein change: p.Val2171Ala; replaces valine 2171 with alanine.
Molecular consequence: missense variant.
Genome position (GRCh38, 1-based): chr1:237,631,498, T>C. VCF-style: chr1-237631498-T-C. GRCh37 (hg19) VCF-style: chr1-237794798-T-C.
Other names: short protein forms V2171A.
Identifiers: ClinVar variation 4886754 (VCV004886754.1).